The following is an entry in ClinVar:

NM_004519.4(KCNQ3):c.1090C>T (p.Arg364Cys)

Gene: KCNQ3 (potassium voltage-gated channel subfamily Q member 3; minus strand). Cytogenetic location: 8q24.22.
Variant type: single nucleotide variant.
Coding change: c.1090C>T on transcript NM_004519.4 (MANE Select); coding-DNA position 1090, C replaced by T.
Protein change: p.Arg364Cys; replaces arginine 364 with cysteine.
Molecular consequence: missense variant.
Genome position (GRCh38, 1-based): chr8:132,172,648, G>A on the plus strand (C>T on the coding strand, the complement: KCNQ3 is on the minus strand). VCF-style: chr8-132172648-G-A. GRCh37 (hg19) VCF-style: chr8-133184895-G-A.
Other names: c.730C>T, p.Arg244Cys (NM_001204824.2); short protein forms R244C, R364C.
Identifiers: ClinVar variation 656938 (VCV000656938.11), dbSNP rs1459374430, ClinGen allele CA372289929.

ClinVar aggregate classification (germline): Conflicting classifications of pathogenicity. Review status: criteria provided, conflicting classifications (1 of 4 stars). 3 submissions from 3 submitters: Pathogenic (1); Uncertain significance (1). 1 of the submissions does not count toward it. Last evaluated 2025-05-23.

Conditions:
Seizures, benign familial neonatal, 2. Also called: Benign Neonatal Epilepsy 2; KCNQ3-Related Self-Limited Familial Neonatal Epilepsy (SLFNE); KCNQ3-Related Benign Familial Neonatal Epilepsy; Seizures, benign neonatal, 2; CONVULSIONS, BENIGN FAMILIAL NEONATAL, 2. Identifiers: Orphanet 1949, MedGen C1852581, MONDO:0007366, OMIM 121201.
Benign neonatal seizures. Also called: Benign familial neonatal epilepsy; Benign familial neonatal seizures; Convulsions benign familial neonatal dominant form; Autosomal dominant form of benign neonatal seizures; Benign neonatal familial convulsions. Identifiers: Orphanet 1949, MedGen C0220669, MONDO:0016027.

Allele frequency attached by ClinVar (database versions not stated): gnomAD exomes below 0.00001.
gnomAD v4.1: 1 of 1,613,988 alleles (0.000062%); highest among the groups gnomAD compares: Non-Finnish European, 0.000085%; no homozygotes.

Submissions (3):

Labcorp Genetics (formerly Invitae), Labcorp
Classification: Pathogenic for Benign neonatal seizures. Last evaluated: 2025-05-23. Review status: criteria provided, single submitter. Criteria: Invitae Variant Classification Sherloc (09022015). Collection method: clinical testing. Allele origin: germline.
Comment: This sequence change replaces arginine, which is basic and polar, with cysteine, which is neutral and slightly polar, at codon 364 of the KCNQ3 protein (p.Arg364Cys). The frequency data for this variant in the population databases is considered unreliable, as metrics indicate poor data quality at this position in the gnomAD database. This missense change has been observed in individual(s) with clinical features of autosomal dominant KCNQ3-related conditions (PMID: 33004838, 38250573; internal data). In at least one individual the variant was observed to be de novo. ClinVar contains an entry for this variant (Variation ID: 656938). Invitae Evidence Modeling of protein sequence and biophysical properties (such as structural, functional, and spatial information, amino acid conservation, physicochemical variation, residue mobility, and thermodynamic stability) indicates that this missense variant is expected to disrupt KCNQ3 protein function with a positive predictive value of 80%. This variant disrupts the p.Arg364 amino acid residue in KCNQ3. Other variant(s) that disrupt this residue have been determined to be pathogenic (PMID: 25278462). This suggests that this residue is clinically significant, and that variants that disrupt this residue are likely to be disease-causing. For these reasons, this variant has been classified as Pathogenic.

Blueprint Genetics
Classification: Uncertain significance. Last evaluated: 2024-03-20. Review status: criteria provided, single submitter. Criteria: ACMG Guidelines, 2015. Collection method: clinical testing. Allele origin: germline.

Department of Developmental Neurology, Medical University of Gdansk
No classification provided. Condition: Seizures, benign familial neonatal, 2. Review status: no classification provided. Collection method: phenotyping only. Allele origin: paternal. Inheritance: Autosomal dominant inheritance. Affected: yes. Not counted in ClinVar's aggregate classification.

Literature cited by the submitters: PubMed 33004838 (cited by Labcorp Genetics (formerly Invitae), Labcorp); PubMed 38250573 (cited by Labcorp Genetics (formerly Invitae), Labcorp); PubMed 25278462 (cited by Labcorp Genetics (formerly Invitae), Labcorp).